The following is an entry in ClinVar:

ClinVar aggregate classification (germline): Uncertain significance (1 of 4 stars; one submission).

Conditions:
Neuropathy, hereditary sensory and autonomic, type 1C. Also called: HSAN IC; HSN IC. Identifiers: Orphanet 36386, MedGen C3150896, MONDO:0013337, OMIM 613640.

Allele frequency attached by ClinVar (database versions not stated): gnomAD exomes below 0.00001.
gnomAD v4.1: 7 of 1,613,926 alleles (0.00043%); highest among the groups gnomAD compares: Non-Finnish European, 0.00042%; no homozygotes.

Submission:

Labcorp Genetics (formerly Invitae), Labcorp
Classification: Uncertain significance for Neuropathy, hereditary sensory and autonomic, type 1C. Last evaluated: 2021-07-20. Review status: criteria provided, single submitter. Criteria: Invitae Variant Classification Sherloc (09022015). Collection method: clinical testing. Allele origin: germline.
Comment: In summary, the available evidence is currently insufficient to determine the role of this variant in disease. Therefore, it has been classified as a Variant of Uncertain Significance. Algorithms developed to predict the effect of missense changes on protein structure and function are either unavailable or do not agree on the potential impact of this missense change (SIFT: "Tolerated"; PolyPhen-2: "Possibly Damaging"; Align-GVGD: "Class C0"). This variant has not been reported in the literature in individuals with SPTLC2-related disease. This variant is not present in population databases (ExAC no frequency). This sequence change replaces histidine with glutamine at codon 216 of the SPTLC2 protein (p.His216Gln). The histidine residue is highly conserved and there is a small physicochemical difference between histidine and glutamine.

NM_004863.4(SPTLC2):c.648T>G (p.His216Gln)

Gene: SPTLC2 (serine palmitoyltransferase long chain base subunit 2; minus strand). Cytogenetic location: 14q24.3.
Variant type: single nucleotide variant.
Coding change: c.648T>G on transcript NM_004863.4 (MANE Select); coding-DNA position 648, T replaced by G.
Protein change: p.His216Gln; replaces histidine 216 with glutamine.
Molecular consequence: missense variant.
Genome position (GRCh38, 1-based): chr14:77,570,492, A>C on the plus strand (T>G on the coding strand, the complement: SPTLC2 is on the minus strand). VCF-style: chr14-77570492-A-C. GRCh37 (hg19) VCF-style: chr14-78036835-A-C.
Other names: short protein forms H216Q.
Identifiers: ClinVar variation 650138 (VCV000650138.8), dbSNP rs374561654, ClinGen allele CA390712943.
Genomic context (GRCh38, chr14:77,570,492, plus strand): 5'-GCCATACGCCATAGCAGCTTCTACTCCTAAGAACCTTGCTACAAGCTCCTCTAGTTCTTC[A>C]TGCTTGTCCAGGTTTCCTGTGTGAAGAAGTTAATAAAGTCAGTATCACAAAATCCTGAAT-3'
Protein context (NP_004854.1, residues 206-226): TRQEIGNLDK[His216Gln]EELEELVARF